The following is an entry in ClinVar:

ClinVar aggregate classification (germline): Conflicting classifications of pathogenicity. Review status: criteria provided, conflicting classifications (1 of 4 stars). 3 submissions from 3 submitters: Uncertain significance (1); Likely benign (2). Last evaluated 2026-02-24.

Conditions:
SCN10A-related disorder. Also called: SCN10A-related condition.
Cardiovascular phenotype. Identifiers: MedGen CN230736.
Brugada syndrome. Also called: Sudden Unexplained Nocturnal Death Syndrome (SUNDS); Sudden unexplained nocturnal death syndrome; Sudden Unexplained Death Syndrome; Sudden unexpected nocturnal death syndrome. Identifiers: Orphanet 130, MedGen C1142166, MONDO:0015263.

Allele frequency attached by ClinVar (database versions not stated): gnomAD 0.00003; TOPMed 0.00003; gnomAD exomes 0.00007; ExAC 0.00017; 1000 Genomes Project 0.00020; 1000 Genomes Project 30x 0.00031.
gnomAD v4.1: 110 of 1,614,192 alleles (0.0068%); highest among the groups gnomAD compares: South Asian, 0.11%; 3 homozygotes.

Submissions (3):

PreventionGenetics, part of Exact Sciences
Classification: Likely benign for SCN10A-related condition. Last evaluated: 2026-02-24. Review status: criteria provided, single submitter. Criteria: ACMG Guidelines, 2015. Collection method: clinical testing. Allele origin: germline.
Comment: This variant is classified as likely benign based on ACMG/AMP sequence variant interpretation guidelines (Richards et al. 2015 PMID: 25741868, with internal and published modifications).

Labcorp Genetics (formerly Invitae), Labcorp
Classification: Uncertain significance for Brugada syndrome. Last evaluated: 2024-08-08. Review status: criteria provided, single submitter. Criteria: Invitae Variant Classification Sherloc (09022015). Collection method: clinical testing. Allele origin: germline.
Comment: This sequence change replaces leucine, which is neutral and non-polar, with phenylalanine, which is neutral and non-polar, at codon 1600 of the SCN10A protein (p.Leu1600Phe). This variant is present in population databases (rs201461161, gnomAD 0.08%). This variant has not been reported in the literature in individuals affected with SCN10A-related conditions. ClinVar contains an entry for this variant (Variation ID: 1743141). Advanced modeling of protein sequence and biophysical properties (such as structural, functional, and spatial information, amino acid conservation, physicochemical variation, residue mobility, and thermodynamic stability) performed at Invitae indicates that this missense variant is expected to disrupt SCN10A protein function with a positive predictive value of 80%. In summary, the available evidence is currently insufficient to determine the role of this variant in disease. Therefore, it has been classified as a Variant of Uncertain Significance.

Ambry Genetics
Classification: Likely benign for Cardiovascular phenotype. Last evaluated: 2022-08-27. Review status: criteria provided, single submitter. Criteria: Ambry Variant Classification Scheme 2023. Collection method: clinical testing. Allele origin: germline.

NM_006514.4(SCN10A):c.4798C>T (p.Leu1600Phe)

Gene: SCN10A (sodium voltage-gated channel alpha subunit 10; minus strand). Cytogenetic location: 3p22.2.
Variant type: single nucleotide variant.
Coding change: c.4798C>T on transcript NM_006514.4 (MANE Select); coding-DNA position 4798, C replaced by T.
Protein change: p.Leu1600Phe; replaces leucine 1600 with phenylalanine.
Molecular consequence: missense variant.
Genome position (GRCh38, 1-based): chr3:38,698,422, G>A on the plus strand (C>T on the coding strand, the complement: SCN10A is on the minus strand). VCF-style: chr3-38698422-G-A. GRCh37 (hg19) VCF-style: chr3-38739913-G-A.
Other names: c.4798C>T (NM_006514.3); c.4795C>T, p.Leu1599Phe (NM_001293306.2); c.4504C>T, p.Leu1502Phe (NM_001293307.2); short protein forms L1502F, L1600F, L1599F.
Identifiers: ClinVar variation 1743141 (VCV001743141.5), dbSNP rs201461161, ClinGen allele CA2319804.